The following is an entry in ClinVar:

ClinVar aggregate classification (germline): Uncertain significance. Review status: criteria provided, multiple submitters, no conflicts (2 of 4 stars). 2 submissions from 2 submitters: Uncertain significance (2). Last evaluated 2025-08-01.

Allele frequency attached by ClinVar (database versions not stated): TOPMed below 0.00001; gnomAD 0.00001; ExAC 0.00002; gnomAD exomes 0.00002.
gnomAD v4.1: 10 of 1,614,040 alleles (0.00062%); highest among the groups gnomAD compares: Admixed American, 0.017%; no homozygotes.

Submissions (2):

Ambry Genetics
Classification: Uncertain significance. Last evaluated: 2025-08-01. Review status: criteria provided, single submitter. Criteria: Ambry Variant Classification Scheme 2023. Collection method: clinical testing. Allele origin: germline.

Labcorp Genetics (formerly Invitae), Labcorp
Classification: Uncertain significance. Last evaluated: 2023-10-13. Review status: criteria provided, single submitter. Criteria: Invitae Variant Classification Sherloc (09022015). Collection method: clinical testing. Allele origin: germline.
Comment: This sequence change replaces serine, which is neutral and polar, with proline, which is neutral and non-polar, at codon 343 of the ARNT2 protein (p.Ser343Pro). This variant is present in population databases (rs763210953, gnomAD 0.03%). This variant has not been reported in the literature in individuals affected with ARNT2-related conditions. ClinVar contains an entry for this variant (Variation ID: 2086179). An algorithm developed to predict the effect of missense changes on protein structure and function (PolyPhen-2) suggests that this variant is likely to be tolerated. In summary, the available evidence is currently insufficient to determine the role of this variant in disease. Therefore, it has been classified as a Variant of Uncertain Significance.

NM_014862.4(ARNT2):c.1027T>C (p.Ser343Pro)

Gene: ARNT2 (aryl hydrocarbon receptor nuclear translocator 2; plus strand). Cytogenetic location: 15q25.1.
Variant type: single nucleotide variant.
Coding change: c.1027T>C on transcript NM_014862.4 (MANE Select); coding-DNA position 1027, T replaced by C.
Protein change: p.Ser343Pro; replaces serine 343 with proline.
Molecular consequence: missense variant.
Genome position (GRCh38, 1-based): chr15:80,552,712, T>C. VCF-style: chr15-80552712-T-C. GRCh37 (hg19) VCF-style: chr15-80845053-T-C.
Other names: c.1027T>C (NM_014862.3); short protein forms S343P.
Identifiers: ClinVar variation 2086179 (VCV002086179.5), dbSNP rs763210953, ClinGen allele CA7691892.